The following is an entry in ClinVar:

NM_000545.8(HNF1A):c.526+5G>A

Gene: HNF1A (HNF1 homeobox A; plus strand). Cytogenetic location: 12q24.31.
Variant type: single nucleotide variant.
Coding change: c.526+5G>A on transcript NM_000545.8 (MANE Select); 5 bases into the intron after coding-DNA position 526, G replaced by A.
Molecular consequence: intron variant.
Genome position (GRCh38, 1-based): chr12:120,989,037, G>A. VCF-style: chr12-120989037-G-A. GRCh37 (hg19) VCF-style: chr12-121426840-G-A.
Other names: c.526+5G>A (NM_001306179.2, NM_001406915.1).
Identifiers: ClinVar variation 2580866 (VCV002580866.2), dbSNP rs1432009039, ClinGen allele CA607887175.

ClinVar aggregate classification (germline): Pathogenic. Review status: reviewed by expert panel (3 of 4 stars). 2 submissions from 2 submitters: Pathogenic (1). 1 of the submissions does not count toward it. Last evaluated 2025-04-17.

Conditions:
Monogenic diabetes. Identifiers: Orphanet 183625, MedGen C3888631, MONDO:0015967.
Maturity-onset diabetes of the young (MODY). Also called: Maturity onset diabetes mellitus in young. Identifiers: Orphanet 552, MedGen C0342276, MONDO:0018911, HP:0004904.

Allele frequency attached by ClinVar (database versions not stated): gnomAD exomes below 0.00001.
gnomAD v4.1: 1 of 1,614,036 alleles (0.000062%); highest among the groups gnomAD compares: Non-Finnish European, 0.000085%; no homozygotes.

Submissions (2):

ClinGen Monogenic Diabetes Variant Curation Expert Panel
Classification: Pathogenic for Monogenic diabetes. Last evaluated: 2025-04-17. Review status: reviewed by expert panel. Criteria: ClinGen Diabetes ACMG Specifications HNF1A V2.1.0. Collection method: curation. Allele origin: germline. Inheritance: Autosomal dominant inheritance.
Comment: The c.526+5G>A variant in the HNF1 homeobox A gene, HNF1A, is predicted to alter the splice donor site in intron 2 of NM_000545.8. This variant is absent from gnomAD v2.1.1 (PM2_Supporting). Minigene-splicing assay demonstrates that this variant results in abnormal splicing and the deletion of the last 32 nucleotides of exon 2 (PS3; Bouvet et al., 2023). This variant was identified in an individual with a clinical history highly specific for HNF1A-monogenic diabetes (MODY probability calculator result >50%, negative genetic testing for HNF4A, and negative GAD and IA2 antibodies) (PP4_Moderate; internal lab contributors). This variant was identified in five unrelated individuals with non- autoimmune and non-absolute/near-absolute insulin-deficient diabetes (PS4_Moderate; internal lab contributors). This variant segregated with diabetes, with four informative meioses in two families (PP1_Strong; internal lab contributors). In summary, c.526+5G>A meets the criteria to be classified as pathogenic for monogenic diabetes. ACMG/AMP criteria applied, as specified by the ClinGen MDEP (specification version 2.1.0, approved 8/11/2023): PM2_Supporting, PS3, PP4_Moderate, PS4_Moderate, PP1_Strong.

Dept of Medical Genetics, AP-HP Sorbonne University, Pitié-Salpêtrière hospital
Classification: Likely pathogenic for MODY. Last evaluated: 2022-11-01. Review status: criteria provided, single submitter. Criteria: ACMG Guidelines, 2015. Collection method: clinical testing. Allele origin: germline. Affected: yes. Not counted in ClinVar's aggregate classification.
Comment: minigene showed effect on RNA splicing: deletion of the last 32 pb of exon 2 (r.495_526del, p.Trp165*). PS3 PM2 PP1 PP4

Literature cited by the submitters: PubMed 23348805 (cited by Dept of Medical Genetics, AP-HP Sorbonne University, Pitié-Salpêtrière hospital).